The following is an entry in ClinVar:

NM_000264.5(PTCH1):c.1808G>C (p.Arg603Pro)

Genes: PTCH1 (patched 1; minus strand), LOC100507346 (uncharacterized LOC100507346; plus strand). Cytogenetic location: 9q22.32.
Variant type: single nucleotide variant.
Coding change: c.1808G>C on transcript NM_000264.5 (MANE Select); coding-DNA position 1808, G replaced by C.
Protein change: p.Arg603Pro; replaces arginine 603 with proline.
Molecular consequence: missense variant. On other transcripts: non-coding transcript variant (2).
Genome position (GRCh38, 1-based): chr9:95,469,852, C>G on the plus strand (G>C on the coding strand, the complement: PTCH1 is on the minus strand). VCF-style: chr9-95469852-C-G. GRCh37 (hg19) VCF-style: chr9-98232134-C-G.
Other names: c.1610G>C, p.Arg537Pro (NM_001083602.3); c.1805G>C, p.Arg602Pro (NM_001083603.3); c.1355G>C, p.Arg452Pro (NM_001083604.3, NM_001083605.3, NM_001083606.3 and 1 more transcripts); c.1652G>C, p.Arg551Pro (NM_001354918.2); short protein forms R551P, R603P, R537P, R452P, R602P.
Identifiers: ClinVar variation 820117 (VCV000820117.5), dbSNP rs199523893, ClinGen allele CA374116301.

ClinVar aggregate classification (germline): Uncertain significance (1 of 4 stars; one submission).

Conditions:
Hereditary cancer-predisposing syndrome. Also called: Neoplastic Syndromes, Hereditary; Hereditary neoplastic syndrome; Hereditary Cancer Syndrome; Tumor predisposition. Identifiers: Orphanet 140162, MedGen C0027672, MeSH D009386, MONDO:0015356.

Submission:

Ambry Genetics
Classification: Uncertain significance for Hereditary cancer-predisposing syndrome. Last evaluated: 2026-05-06. Review status: criteria provided, single submitter. Criteria: Ambry Variant Classification Scheme 2023. Collection method: clinical testing. Allele origin: germline.
Comment: The p.R603P variant (also known as c.1808G>C), located in coding exon 13 of the PTCH1 gene, results from a G to C substitution at nucleotide position 1808. The arginine at codon 603 is replaced by proline, an amino acid with dissimilar properties. This amino acid position is highly conserved in available vertebrate species. In addition, this alteration is predicted to be deleterious by in silico analysis. Based on the available evidence, the clinical significance of this variant remains unclear.